The following is an entry in ClinVar:

NM_001365536.1(SCN9A):c.296G>A (p.Arg99His)

Gene: SCN9A (sodium voltage-gated channel alpha subunit 9; minus strand). Cytogenetic location: 2q24.3.
Variant type: single nucleotide variant.
Coding change: c.296G>A on transcript NM_001365536.1 (MANE Select); coding-DNA position 296, G replaced by A.
Protein change: p.Arg99His; replaces arginine 99 with histidine.
Molecular consequence: missense variant.
Genome position (GRCh38, 1-based): chr2:166,307,037, C>T on the plus strand (G>A on the coding strand, the complement: SCN9A is on the minus strand). VCF-style: chr2-166307037-C-T. GRCh37 (hg19) VCF-style: chr2-167163547-C-T.
Other names: c.296G>A, p.Arg99His (NM_002977.4); short protein forms R99H.
Identifiers: ClinVar variation 579026 (VCV000579026.10), dbSNP rs1292303985, ClinGen allele CA349095673.
Genomic context (GRCh38, chr2:166,307,037, plus strand): 5'-GATATTCTTCTTAGAGGACTGAAAGGAGAAAGCATATATAAAGCAGGTGTGGCATTGAAA[C>T]GGAAGATTGTTTTCCCTTTGTTCAATACTATGAAAGTCTGCAGGAGGAAAAAGAAAGGAT-3'
Protein context (NP_001352465.1, residues 89-109): IVLNKGKTIF[Arg99His]FNATPALYML

ClinVar aggregate classification (germline): Uncertain significance. Review status: criteria provided, multiple submitters, no conflicts (2 of 4 stars). 2 submissions from 2 submitters: Uncertain significance (2). Last evaluated 2024-04-02.

Conditions:
Inborn genetic diseases. Identifiers: MedGen C0950123, MeSH D030342.
Neuropathy, hereditary sensory and autonomic, type 2A (HSAN2A). Also called: ACROOSTEOLYSIS, GIACCAI TYPE; ACROOSTEOLYSIS, NEUROGENIC; MORVAN DISEASE; NEUROPATHY, CONGENITAL SENSORY; NEUROPATHY, HEREDITARY SENSORY RADICULAR, AUTOSOMAL RECESSIVE; NEUROPATHY, HEREDITARY SENSORY, TYPE IIA. Identifiers: Orphanet 970, MedGen C2752089, MONDO:0024309, OMIM 201300.
Generalized epilepsy with febrile seizures plus, type 7 (GEFSP7). Also called: GEFS+, TYPE 7. Identifiers: Orphanet 36387, MedGen C2751778, MONDO:0013470, OMIM 613863.

Allele frequency attached by ClinVar (database versions not stated): gnomAD exomes below 0.00001; TOPMed below 0.00001.
gnomAD v4.1: 6 of 1,611,246 alleles (0.00037%); highest among the groups gnomAD compares: East Asian, 0.0022%; no homozygotes.

Submissions (2):

Labcorp Genetics (formerly Invitae), Labcorp
Classification: Uncertain significance for Neuropathy, hereditary sensory and autonomic, type 2A; Generalized epilepsy with febrile seizures plus, type 7. Last evaluated: 2024-04-02. Review status: criteria provided, single submitter. Criteria: Invitae Variant Classification Sherloc (09022015). Collection method: clinical testing. Allele origin: germline.
Comment: This sequence change replaces arginine, which is basic and polar, with histidine, which is basic and polar, at codon 99 of the SCN9A protein (p.Arg99His). This variant is present in population databases (no rsID available, gnomAD 0.003%). This missense change has been observed in individual(s) with SCN9A-related disorders (PMID: 32420800). ClinVar contains an entry for this variant (Variation ID: 579026). Advanced modeling of protein sequence and biophysical properties (such as structural, functional, and spatial information, amino acid conservation, physicochemical variation, residue mobility, and thermodynamic stability) has been performed at Invitae for this missense variant, however the output from this modeling did not meet the statistical confidence thresholds required to predict the impact of this variant on SCN9A protein function. Experimental studies have shown that this missense change affects SCN9A function (PMID: 32420800). This variant disrupts the p.Arg99 amino acid residue in SCN9A. Other variant(s) that disrupt this residue have been observed in individuals with SCN9A-related conditions (PMID: 35446973), which suggests that this may be a clinically significant amino acid residue. In summary, the available evidence is currently insufficient to determine the role of this variant in disease. Therefore, it has been classified as a Variant of Uncertain Significance.

Ambry Genetics
Classification: Uncertain significance for Inborn genetic diseases. Last evaluated: 2020-03-10. Review status: criteria provided, single submitter. Criteria: Ambry Variant Classification Scheme 2023. Collection method: clinical testing. Allele origin: germline.
Comment: The p.R99H variant (also known as c.296G>A), located in coding exon 2 of the SCN9A gene, results from a G to A substitution at nucleotide position 296. The arginine at codon 99 is replaced by histidine, an amino acid with highly similar properties. This amino acid position is highly conserved in available vertebrate species. In addition, this alteration is predicted to be deleterious by in silico analysis. Since supporting evidence is limited at this time, the clinical significance of this alteration remains unclear.

Literature cited by the submitters: PubMed 32420800 (cited by Labcorp Genetics (formerly Invitae), Labcorp); PubMed 35446973 (cited by Labcorp Genetics (formerly Invitae), Labcorp).